The following is an entry in ClinVar:

ClinVar aggregate classification (germline): Likely pathogenic (1 of 4 stars; one submission).

Submission:

GeneDx
Classification: Likely pathogenic. Last evaluated: 2026-02-04. Review status: criteria provided, single submitter. Criteria: GeneDx Variant Classification Process June 2021. Collection method: clinical testing. Allele origin: germline. Affected: yes.
Comment: Frameshift variant predicted to result in abnormal protein length as the last 100 amino acids are replaced with 2 different amino acids, and other similar variants have been reported in HGMD; Not observed at significant frequency in large population cohorts (gnomAD); Has not been previously published as pathogenic or benign to our knowledge

NM_015972.4(POLR1D):c.99_144del (p.Gly34fs)

Genes: POLR1D (RNA polymerase I and III subunit D; plus strand), LOC147380392 (uncharacterized LOC147380392; plus strand). Cytogenetic location: 13q12.2.
Variant type: Deletion.
Coding change: c.99_144del on transcript NM_015972.4 (MANE Select); coding-DNA positions 99 to 144, 46 bases deleted.
Protein change: p.Gly34fs; shifts the reading frame from glycine 34.
Molecular consequence: frameshift variant. On other transcripts: intron variant (2).
Genome position (GRCh38, 1-based): chr13:27,622,947-27,622,992, 46 bases deleted; deleting any 46 consecutive bases within chr13:27,622,946-27,622,992 gives the same sequence; the c. name uses the placement nearest the transcript's 3' end. GRCh37 (hg19): chr13:28,197,084-28,197,129.
Other names: c.99_144delTGGAACAGATAGACACTGTGTGACATTTGTATTGCACGAGGAAGAC (NM_015972.3); c.99_144del46 (NM_015972.3); c.-59+1807_-59+1852del (NM_001206559.2); c.26+938_26+983del (NM_152705.3); c.99_144del (NM_015972.3); short protein forms G34fs.
Identifiers: ClinVar variation 451304 (VCV000451304.4), dbSNP rs1555271298, ClinGen allele CA658658233.